The following is an entry in ClinVar:

NM_001162498.3(LPAR6):c.801A>C (p.Ala267=)

Genes: LPAR6 (lysophosphatidic acid receptor 6; minus strand), RB1 (RB transcriptional corepressor 1; plus strand). Cytogenetic location: 13q14.2.
Variant type: single nucleotide variant.
Coding change: c.801A>C on transcript NM_001162498.3 (MANE Select); coding-DNA position 801, A replaced by C.
Protein change: p.Ala267=; no amino-acid change (alanine 267 retained).
Molecular consequence: synonymous variant. On other transcripts: intron variant (2).
Genome position (GRCh38, 1-based): chr13:48,411,623, T>G on the plus strand (A>C on the coding strand, the complement: LPAR6 is on the minus strand). VCF-style: chr13-48411623-T-G. GRCh37 (hg19) VCF-style: chr13-48985759-T-G.
Other names: c.801A>C, p.Ala267= (NM_001162497.3, NM_001377316.2, NM_001377317.2 and 1 more transcripts); c.1695+30180T>G (NM_001407165.1, NM_000321.3).
Identifiers: ClinVar variation 780057 (VCV000780057.31), dbSNP rs4151552, ClinGen allele CA030034.

ClinVar aggregate classification (germline): Likely benign. Review status: criteria provided, multiple submitters, no conflicts (2 of 4 stars). 2 submissions from 2 submitters: Likely benign (2). Last evaluated 2026-09-01.

Allele frequency attached by ClinVar (database versions not stated): 1000 Genomes Project 30x 0.00031; 1000 Genomes Project 0.00040; TOPMed 0.00136; gnomAD exomes 0.00138; gnomAD 0.00142 and 0.00148; ExAC 0.00145; ESP Exome Variant Server 0.00146.
gnomAD v4.1: 3,861 of 1,612,216 alleles (0.24%); highest among the groups gnomAD compares: Non-Finnish European, 0.3%; 3 homozygotes.

Submissions (2):

CeGaT Center for Human Genetics Tuebingen
Classification: Likely benign. Last evaluated: 2026-09-01. Review status: criteria provided, single submitter. Criteria: CeGaT Center For Human Genetics Tuebingen Variant Classification Criteria Version 2. Collection method: clinical testing. Allele origin: germline. Affected: yes. Observed: 17 variant alleles.
Comment: LPAR6: BP4, BP7

Labcorp Genetics (formerly Invitae), Labcorp
Classification: Likely benign. Last evaluated: 2026-01-25. Review status: criteria provided, single submitter. Criteria: Invitae Variant Classification Sherloc (09022015). Collection method: clinical testing. Allele origin: germline.